The following is an entry in ClinVar:

ClinVar aggregate classification (germline): Conflicting classifications of pathogenicity. Review status: criteria provided, conflicting classifications (1 of 4 stars). 2 submissions from 2 submitters: Uncertain significance (1); Likely benign (1). Last evaluated 2025-03-13.

gnomAD v4.1: 40 of 1,540,274 alleles (0.0026%); highest among the groups gnomAD compares: Non-Finnish European, 0.0031%; no homozygotes.

Submissions (2):

GeneDx
Classification: Uncertain significance. Last evaluated: 2025-03-13. Review status: criteria provided, single submitter. Criteria: GeneDx Variant Classification Process June 2021. Collection method: clinical testing. Allele origin: germline. Affected: yes.
Comment: Not observed at significant frequency in large population cohorts (gnomAD); In silico analysis supports that this missense variant has a deleterious effect on protein structure/function; Has not been previously published as pathogenic or benign to our knowledge

Blueprint Genetics
Classification: Likely benign. Last evaluated: 2022-10-27. Review status: criteria provided, single submitter. Criteria: ACMG Guidelines, 2015. Collection method: clinical testing. Allele origin: germline.

NM_015202.5(KATNIP):c.2653C>T (p.Arg885Trp)

Gene: KATNIP (katanin interacting protein; plus strand). Cytogenetic location: 16p12.1.
Variant type: single nucleotide variant.
Coding change: c.2653C>T on transcript NM_015202.5 (MANE Select); coding-DNA position 2653, C replaced by T.
Protein change: p.Arg885Trp; replaces arginine 885 with tryptophan.
Molecular consequence: missense variant.
Genome position (GRCh38, 1-based): chr16:27,749,613, C>T. VCF-style: chr16-27749613-C-T. GRCh37 (hg19) VCF-style: chr16-27760934-C-T.
Other names: short protein forms R885W.
Identifiers: ClinVar variation 4082811 (VCV004082811.2).